The following is an entry in ClinVar:

NM_139057.4(ADAMTS17):c.2456-2A>G

Gene: ADAMTS17 (ADAM metallopeptidase with thrombospondin type 1 motif 17; minus strand). Cytogenetic location: 15q26.3.
Variant type: single nucleotide variant.
Coding change: c.2456-2A>G on transcript NM_139057.4 (MANE Select); the canonical splice acceptor site of the intron before coding-DNA position 2456, A replaced by G.
Molecular consequence: splice acceptor variant.
Genome position (GRCh38, 1-based): chr15:100,048,994, T>C on the plus strand (A>G on the coding strand, the complement: ADAMTS17 is on the minus strand). VCF-style: chr15-100048994-T-C. GRCh37 (hg19) VCF-style: chr15-100589199-T-C.
Identifiers: ClinVar variation 1514938 (VCV001514938.8), dbSNP rs2031931706, ClinGen allele CA393692811.

ClinVar aggregate classification (germline): Likely pathogenic (1 of 4 stars; one submission).

Submission:

Labcorp Genetics (formerly Invitae), Labcorp
Classification: Likely pathogenic. Last evaluated: 2022-08-23. Review status: criteria provided, single submitter. Criteria: Invitae Variant Classification Sherloc (09022015). Collection method: clinical testing. Allele origin: germline.
Comment: ClinVar contains an entry for this variant (Variation ID: 1514938). In summary, the currently available evidence indicates that the variant is pathogenic, but additional data are needed to prove that conclusively. Therefore, this variant has been classified as Likely Pathogenic. Algorithms developed to predict the effect of sequence changes on RNA splicing suggest that this variant may disrupt the consensus splice site. This variant has not been reported in the literature in individuals affected with ADAMTS17-related conditions. This variant is not present in population databases (gnomAD no frequency). This sequence change affects an acceptor splice site in intron 17 of the ADAMTS17 gene. It is expected to disrupt RNA splicing. Variants that disrupt the donor or acceptor splice site typically lead to a loss of protein function (PMID: 16199547), and loss-of-function variants in ADAMTS17 are known to be pathogenic (PMID: 19836009, 24940034).

Literature cited by the submitters: PubMed 16199547; PubMed 19836009; PubMed 24940034.